The following is an entry in ClinVar:

NM_006231.4(POLE):c.4245C>G (p.Asn1415Lys)

Gene: POLE (DNA polymerase epsilon, catalytic subunit; minus strand). Cytogenetic location: 12q24.33.
Variant type: single nucleotide variant.
Coding change: c.4245C>G on transcript NM_006231.4 (MANE Select); coding-DNA position 4245, C replaced by G.
Protein change: p.Asn1415Lys; replaces asparagine 1415 with lysine.
Molecular consequence: missense variant.
Genome position (GRCh38, 1-based): chr12:132,643,882, G>C on the plus strand (C>G on the coding strand, the complement: POLE is on the minus strand). VCF-style: chr12-132643882-G-C. GRCh37 (hg19) VCF-style: chr12-133220468-G-C.
Other names: short protein forms N1415K.
Identifiers: ClinVar variation 3624526 (VCV003624526.2).

ClinVar aggregate classification (germline): Uncertain significance (1 of 4 stars; one submission).

Submission:

Labcorp Genetics (formerly Invitae), Labcorp
Classification: Uncertain significance. Last evaluated: 2024-11-12. Review status: criteria provided, single submitter. Criteria: Invitae Variant Classification Sherloc (09022015). Collection method: clinical testing. Allele origin: germline.
Comment: This sequence change replaces asparagine, which is neutral and polar, with lysine, which is basic and polar, at codon 1415 of the POLE protein (p.Asn1415Lys). This variant is not present in population databases (gnomAD no frequency). This variant has not been reported in the literature in individuals affected with POLE-related conditions. Invitae Evidence Modeling of protein sequence and biophysical properties (such as structural, functional, and spatial information, amino acid conservation, physicochemical variation, residue mobility, and thermodynamic stability) indicates that this missense variant is not expected to disrupt POLE protein function with a negative predictive value of 80%. In summary, the available evidence is currently insufficient to determine the role of this variant in disease. Therefore, it has been classified as a Variant of Uncertain Significance.